The following is an entry in ClinVar:

ClinVar aggregate classification (germline): Benign. Review status: criteria provided, multiple submitters, no conflicts (2 of 4 stars). 9 submissions from 9 submitters: Benign (8). 1 of the submissions does not count toward it. Last evaluated 2026-02-04.

Conditions:
Nemaline myopathy 2 (NEM2). Also called: Nemaline myopathy 2, autosomal recessive. Identifiers: MedGen C1850569, MONDO:0009725, OMIM 256030.

Allele frequency attached by ClinVar (database versions not stated): gnomAD exomes 0.00242 and 0.00770; ESP Exome Variant Server 0.00687; ExAC 0.00767; gnomAD 0.00870 and 0.00890; TOPMed 0.01112; 1000 Genomes Project 30x 0.02061; 1000 Genomes Project 0.02097.
gnomAD v4.1: 5,076 of 1,613,950 alleles (0.31%); highest among the groups gnomAD compares: East Asian, 4.2%; 77 homozygotes.

Submissions (9):

Labcorp Genetics (formerly Invitae), Labcorp
Classification: Benign for Nemaline myopathy 2. Last evaluated: 2026-02-04. Review status: criteria provided, single submitter. Criteria: Invitae Variant Classification Sherloc (09022015). Collection method: clinical testing. Allele origin: germline.

Athena Diagnostics
Classification: Benign. Last evaluated: 2025-05-09. Review status: criteria provided, single submitter. Criteria: Athena Diagnostics Criteria. Collection method: clinical testing. Allele origin: unknown.
Comment: The frequency of this variant in the general population is higher than would generally be expected for pathogenic variants in this gene. Computational tools yielded predictions that this variant is unlikely to have an effect on normal RNA splicing. This nucleotide position exhibits low evolutionary conservation.

Mayo Clinic Laboratories, Mayo Clinic
Classification: Benign. Last evaluated: 2022-11-29. Review status: criteria provided, single submitter. Criteria: ACMG Guidelines, 2015. Collection method: clinical testing. Allele origin: germline. Observed: 5 variant alleles.
Comment: BA1

Illumina Laboratory Services, Illumina
Classification: Benign for Nemaline myopathy 2. Last evaluated: 2018-04-20. Review status: criteria provided, single submitter. Criteria: ICSL Variant Classification Criteria 13 December 2019. Collection method: clinical testing. Allele origin: germline.
Comment: This variant was observed in the ICSL laboratory as part of a predisposition screen in an ostensibly healthy population. It had not been previously curated by ICSL or reported in the Human Gene Mutation Database (HGMD: prior to June 1st, 2018), and was therefore a candidate for classification through an automated scoring system. Utilizing variant allele frequency, disease prevalence and penetrance estimates, and inheritance mode, an automated score was calculated to assess if this variant is too frequent to cause the disease. Based on the score and internal cut-off values, a variant classified as benign is not then subjected to further curation. The score for this variant resulted in a classification of benign for this disease.

Women's Health and Genetics/Laboratory Corporation of America, LabCorp
Classification: Benign. Last evaluated: 2017-04-24. Review status: criteria provided, single submitter. Criteria: LabCorp Variant Classification Summary - May 2015. Collection method: clinical testing. Allele origin: germline.
Comment: Variant summary: The NEB c.10338T>C (p.Asn3446Asn) variant involves the alteration of a non-conserved nucleotide, resulting in a synonymous change. 5/5 splice prediction tools predict no significant impact on normal splicing. ESE finder predicts the creation of SRp40 binding site. However, these predictions have yet to be confirmed by functional studies. This variant was found in 926/120706 control chromosomes (19 homozygotes) from ExAC at a frequency of 0.0076715, which is approximately 2 times the estimated maximal expected allele frequency of a pathogenic NEB variant (0.0035355), suggesting this variant is likely a benign polymorphism. The variant is more common in East Asian population with allele frequency of 5.4% (465/8592 chromosomes). In addition, multiple clinical diagnostic laboratories/reputable databases classified this variant as benign. The variant of interest has not, to our knowledge, been reported in affected individuals via publications; nor evaluated for functional impact by in vivo/vitro studies. Taken together, this variant is classified as benign.

GeneDx
Classification: Benign. Last evaluated: 2016-07-08. Review status: criteria provided, single submitter. Criteria: GeneDx Variant Classification (06012015). Collection method: clinical testing. Allele origin: germline. Affected: yes.
Comment: This variant is considered likely benign or benign based on one or more of the following criteria: it is a conservative change, it occurs at a poorly conserved position in the protein, it is predicted to be benign by multiple in silico algorithms, and/or has population frequency not consistent with disease.

Breakthrough Genomics
Classification: Benign. Review status: criteria provided, single submitter. Criteria: ACMG Guidelines, 2015. Collection method: not provided. Allele origin: germline. Inheritance: Autosomal recessive inheritance. Affected: yes.

PreventionGenetics, part of Exact Sciences
Classification: Benign. Review status: criteria provided, single submitter. Criteria: ACMG Guidelines, 2015. Collection method: clinical testing. Allele origin: germline.

Natera, Inc.
Classification: Benign for Nemaline myopathy type 2. Last evaluated: 2020-09-16. Review status: no assertion criteria provided. Collection method: clinical testing. Allele origin: germline. Not counted in ClinVar's aggregate classification.

NM_001164508.2(NEB):c.10338T>C (p.Asn3446=)

Gene: NEB (nebulin; minus strand). Cytogenetic location: 2q23.3.
Variant type: single nucleotide variant.
Coding change: c.10338T>C on transcript NM_001164508.2 (MANE Select); coding-DNA position 10338, T replaced by C.
Protein change: p.Asn3446=; no amino-acid change (asparagine 3446 retained).
Molecular consequence: synonymous variant.
Genome position (GRCh38, 1-based): chr2:151,627,011, A>G on the plus strand (T>C on the coding strand, the complement: NEB is on the minus strand). VCF-style: chr2-151627011-A-G. GRCh37 (hg19) VCF-style: chr2-152483525-A-G.
Other names: p.Asn3446=; c.10338T>C, p.Asn3446= (NM_001164507.2, NM_001271208.2); c.9609T>C, p.Asn3203= (NM_004543.5).
Identifiers: ClinVar variation 257716 (VCV000257716.24), dbSNP rs147569843, ClinGen allele CA1909063.